The following is an entry in ClinVar:

ClinVar aggregate classification (germline): Benign/Likely benign. Review status: criteria provided, multiple submitters, no conflicts (2 of 4 stars). 16 submissions from 13 submitters: Benign (4); Likely benign (12). Last evaluated 2026-09-01.

Conditions:
Connective tissue disorder. Also called: Connective tissue disease. Identifiers: MedGen C0009782, MONDO:0003900.
Osteogenesis imperfecta (OI). Identifiers: Orphanet 666, MedGen C0029434, MeSH D010013, MONDO:0019019.
Infantile cortical hyperostosis. Also called: P1PK BLOOD GROUP SYSTEM, P(2) PHENOTYPE; Hyperostosis, Cortical, Congenital; Caffey Disease. Identifiers: Orphanet 1310, MedGen C0020497, MONDO:0007244, OMIM 114000.
Osteogenesis imperfecta type I (OI1). Also called: Lobstein's Disease; Classic Non-deforming Osteogenesis Imperfecta with Blue Sclerae; OI, TYPE I; OSTEOGENESIS IMPERFECTA TARDA; OSTEOGENESIS IMPERFECTA WITH BLUE SCLERAE; Lobstein disease. Identifiers: Orphanet 216796, Orphanet 666, MedGen C0023931, MONDO:0008146, OMIM 166200. Disease mechanism: loss of function.
Cardiovascular phenotype. Identifiers: MedGen CN230736.
Ehlers-Danlos syndrome (EDS). Identifiers: Orphanet 98249, MedGen C0013720, MONDO:0020066.
Ehlers-Danlos syndrome, arthrochalasia type. Also called: Ehlers-Danlos syndrome, arthrochalasia type, 1; ARTHROCHALASIS MULTIPLEX CONGENITA; EDS VII, MUTANT PROCOLLAGEN TYPE; EDS VIIA; Ehlers-Danlos syndrome, arthrochalasis type. Identifiers: Orphanet 1899, Orphanet 99875, Orphanet 99876, MedGen C4551623, MONDO:0007525, OMIM 130060.

Allele frequency attached by ClinVar (database versions not stated): gnomAD 0.00087 and 0.00088; ExAC 0.00089; gnomAD exomes 0.00103 and 0.00077; ESP Exome Variant Server 0.00169; 1000 Genomes Project 30x 0.00047; 1000 Genomes Project 0.00060; TOPMed 0.00073.
gnomAD v4.1: 1,623 of 1,614,082 alleles (0.1%); highest among the groups gnomAD compares: Non-Finnish European, 0.12%; 1 homozygote.

Submissions (16):

CeGaT Center for Human Genetics Tuebingen
Classification: Likely benign. Last evaluated: 2026-09-01. Review status: criteria provided, single submitter. Criteria: CeGaT Center For Human Genetics Tuebingen Variant Classification Criteria Version 2. Collection method: clinical testing. Allele origin: germline. Affected: yes. Observed: 8 variant alleles.
Comment: COL1A1: BP4, BS1

Labcorp Genetics (formerly Invitae), Labcorp
Classification: Benign for Osteogenesis imperfecta type I. Last evaluated: 2026-02-01. Review status: criteria provided, single submitter. Criteria: Invitae Variant Classification Sherloc (09022015). Collection method: clinical testing. Allele origin: germline.

Molecular Diagnostic Laboratory for Inherited Cardiovascular Disease, Montreal Heart Institute
Classification: Likely benign. Last evaluated: 2025-07-24. Review status: criteria provided, single submitter. Criteria: ACMG Guidelines, 2015. Collection method: clinical testing. Allele origin: germline. Affected: no.
Comment: PP2, BS1, BP6

Laboratory of Genetics, Children's Clinical University Hospital Latvia
Classification: Likely benign. Last evaluated: 2025-02-16. Review status: criteria provided, single submitter. Criteria: ACMG Guidelines, 2015. Collection method: clinical testing. Allele origin: germline. Affected: yes.

ARUP Laboratories, Molecular Genetics and Genomics, ARUP Laboratories
Classification: Likely benign. Last evaluated: 2024-12-27. Review status: criteria provided, single submitter. Criteria: ARUP Molecular Germline Variant Investigation Process 2024. Collection method: clinical testing. Allele origin: germline.

Blueprint Genetics
Classification: Likely benign. Last evaluated: 2024-11-07. Review status: criteria provided, single submitter. Criteria: ACMG Guidelines, 2015. Collection method: clinical testing. Allele origin: germline.

Mayo Clinic Laboratories, Mayo Clinic
Classification: Benign. Last evaluated: 2023-05-02. Review status: criteria provided, single submitter. Criteria: ACMG Guidelines, 2015. Collection method: clinical testing. Allele origin: germline. Observed: 13 variant alleles.
Comment: BS1, BS2

Genome Diagnostics Laboratory, The Hospital for Sick Children
Classification: Likely benign for Ehlers-Danlos syndrome. Last evaluated: 2021-12-24. Review status: criteria provided, single submitter. Criteria: ACMG Guidelines, 2015. Collection method: clinical testing. Allele origin: germline.

Genome Diagnostics Laboratory, The Hospital for Sick Children
Classification: Likely benign for Osteogenesis imperfecta. Last evaluated: 2021-08-11. Review status: criteria provided, single submitter. Criteria: ACMG Guidelines, 2015. Collection method: clinical testing. Allele origin: germline.

GeneDx
Classification: Likely benign. Last evaluated: 2021-01-18. Review status: criteria provided, single submitter. Criteria: GeneDx Variant Classification Process June 2021. Collection method: clinical testing. Allele origin: germline. Affected: yes.
Comment: This variant is associated with the following publications: (PMID: 25146735, 23692737, 24618965, 25834947)

Ambry Genetics
Classification: Likely benign for Cardiovascular phenotype. Last evaluated: 2019-03-21. Review status: criteria provided, single submitter. Criteria: Ambry Variant Classification Scheme 2023. Collection method: clinical testing. Allele origin: germline.

Illumina Laboratory Services, Illumina
Classification: Likely benign for Infantile cortical hyperostosis. Last evaluated: 2017-04-27. Review status: criteria provided, single submitter. Criteria: ICSL Variant Classification Criteria 13 December 2019. Collection method: clinical testing. Allele origin: germline.
Comment: This variant was observed as part of a predisposition screen in an ostensibly healthy population. A literature search was performed for the gene, cDNA change, and amino acid change (where applicable). No publications were found based on this search. Allele frequency data from public databases allowed determination this variant is unlikely to cause disease. Therefore, this variant is classified as likely benign.

Illumina Laboratory Services, Illumina
Classification: Benign for Osteogenesis imperfecta. Last evaluated: 2017-04-27. Review status: criteria provided, single submitter. Criteria: ICSL Variant Classification Criteria 13 December 2019. Collection method: clinical testing. Allele origin: germline.
Comment: This variant was observed as part of a predisposition screen in an ostensibly healthy population. A literature search was performed for the gene, cDNA change, and amino acid change (where applicable). Publications were found based on this search. The evidence from the literature, in combination with allele frequency data from public databases where available, was sufficient to rule this variant out of causing disease. Therefore, this variant is classified as benign.

Illumina Laboratory Services, Illumina
Classification: Benign for Ehlers-Danlos syndrome, arthrochalasia type. Last evaluated: 2017-04-27. Review status: criteria provided, single submitter. Criteria: ICSL Variant Classification Criteria 13 December 2019. Collection method: clinical testing. Allele origin: germline.
Comment: the same text as in the submission from Illumina Laboratory Services, Illumina above.

Center for Human Genetics, Inc
Classification: Likely benign for Connective tissue disorder. Last evaluated: 2016-11-01. Review status: criteria provided, single submitter. Criteria: ACMG Guidelines, 2015. Collection method: clinical testing. Allele origin: germline. Affected: yes.

Breakthrough Genomics
Classification: Likely benign. Review status: criteria provided, single submitter. Criteria: ACMG Guidelines, 2015. Collection method: not provided. Allele origin: germline. Inheritance: Autosomal dominant inheritance. Affected: yes.

Literature cited by the submitters: PubMed 25146735 (cited by Illumina Laboratory Services, Illumina); PubMed 26235824 (cited by Illumina Laboratory Services, Illumina); PubMed 26188975 (cited by Illumina Laboratory Services, Illumina).

NM_000088.4(COL1A1):c.4181A>G (p.Asn1394Ser)

Gene: COL1A1 (collagen type I alpha 1 chain; minus strand). Cytogenetic location: 17q21.33.
Variant type: single nucleotide variant.
Coding change: c.4181A>G on transcript NM_000088.4 (MANE Select); coding-DNA position 4181, A replaced by G.
Protein change: p.Asn1394Ser; replaces asparagine 1394 with serine.
Molecular consequence: missense variant.
Genome position (GRCh38, 1-based): chr17:50,185,845, T>C on the plus strand (A>G on the coding strand, the complement: COL1A1 is on the minus strand). VCF-style: chr17-50185845-T-C. GRCh37 (hg19) VCF-style: chr17-48263206-T-C.
Other names: short protein forms N1394S.
Identifiers: ClinVar variation 379751 (VCV000379751.56), dbSNP rs147266928, ClinGen allele CA8644242.